The following is an entry in ClinVar:

ClinVar aggregate classification (germline): Uncertain significance (1 of 4 stars; one submission).

Allele frequency attached by ClinVar (database versions not stated): TOPMed below 0.00001.
gnomAD v4.1: 2 of 1,426,754 alleles (0.00014%); highest among the groups gnomAD compares: Non-Finnish European, 0.00018%; no homozygotes.

Submission:

Labcorp Genetics (formerly Invitae), Labcorp
Classification: Uncertain significance. Last evaluated: 2023-10-04. Review status: criteria provided, single submitter. Criteria: Invitae Variant Classification Sherloc (09022015). Collection method: clinical testing. Allele origin: germline.
Comment: This sequence change replaces glutamic acid, which is acidic and polar, with glutamine, which is neutral and polar, at codon 404 of the DEF6 protein (p.Glu404Gln). This variant is not present in population databases (gnomAD no frequency). This variant has not been reported in the literature in individuals affected with DEF6-related conditions. An algorithm developed to predict the effect of missense changes on protein structure and function (PolyPhen-2) suggests that this variant is likely to be disruptive. In summary, the available evidence is currently insufficient to determine the role of this variant in disease. Therefore, it has been classified as a Variant of Uncertain Significance.

NM_022047.4(DEF6):c.1210G>C (p.Glu404Gln)

Gene: DEF6 (DEF6 guanine nucleotide exchange factor; plus strand). Cytogenetic location: 6p21.31.
Variant type: single nucleotide variant.
Coding change: c.1210G>C on transcript NM_022047.4 (MANE Select); coding-DNA position 1210, G replaced by C.
Protein change: p.Glu404Gln; replaces glutamic acid 404 with glutamine.
Molecular consequence: missense variant.
Genome position (GRCh38, 1-based): chr6:35,318,466, G>C. VCF-style: chr6-35318466-G-C. GRCh37 (hg19) VCF-style: chr6-35286243-G-C.
Other names: short protein forms E404Q.
Identifiers: ClinVar variation 2765256 (VCV002765256.3), dbSNP rs1791549354, ClinGen allele CA363767349.